The following is an entry in ClinVar:

ClinVar aggregate classification (germline): Uncertain significance (1 of 4 stars; one submission).

gnomAD v4.1: 8 of 1,613,436 alleles (0.0005%); highest among the groups gnomAD compares: South Asian, 0.0033%; no homozygotes.

Submission:

Mayo Clinic Laboratories, Mayo Clinic
Classification: Uncertain significance. Last evaluated: 2025-02-26. Review status: criteria provided, single submitter. Criteria: ACMG Guidelines, 2015. Collection method: clinical testing. Allele origin: germline. Observed: 1 variant allele.
Comment: BP4, PM2_supporting

NM_002292.4(LAMB2):c.3796C>T (p.Arg1266Trp)

Gene: LAMB2 (laminin subunit beta 2; minus strand). Cytogenetic location: 3p21.31.
Variant type: single nucleotide variant.
Coding change: c.3796C>T on transcript NM_002292.4 (MANE Select); coding-DNA position 3796, C replaced by T.
Protein change: p.Arg1266Trp; replaces arginine 1266 with tryptophan.
Molecular consequence: missense variant.
Genome position (GRCh38, 1-based): chr3:49,123,729, G>A on the plus strand (C>T on the coding strand, the complement: LAMB2 is on the minus strand). VCF-style: chr3-49123729-G-A. GRCh37 (hg19) VCF-style: chr3-49161162-G-A.
Other names: p.Arg1266Trp; short protein forms R1266W.
Identifiers: ClinVar variation 4540874 (VCV004540874.1).